The following is an entry in ClinVar:

NM_005562.3(LAMC2):c.1597del (p.Arg533fs)

Gene: LAMC2 (laminin subunit gamma 2; plus strand). Cytogenetic location: 1q25.3.
Variant type: Deletion.
Coding change: c.1597del on transcript NM_005562.3 (MANE Select); coding-DNA position 1597, one base deleted (C; older notation c.1597delC).
Protein change: p.Arg533fs; shifts the reading frame from arginine 533.
Molecular consequence: frameshift variant.
Genome position (GRCh38, 1-based): chr1:183,228,502, C deleted; the last of 2 consecutive C bases (chr1:183,228,501-183,228,502); deleting either gives the same sequence. VCF-style (leftmost placement, unchanged base first): chr1-183228500-AC-A. GRCh37 (hg19) VCF-style: chr1-183197635-AC-A.
Other names: c.1597del, p.Arg533fs (NM_018891.3); short protein forms R533fs.
Identifiers: ClinVar variation 1451602 (VCV001451602.6), dbSNP rs2102233308, ClinGen allele CA2573131315.

ClinVar aggregate classification (germline): Pathogenic (1 of 4 stars; one submission).

Submission:

Labcorp Genetics (formerly Invitae), Labcorp
Classification: Pathogenic. Last evaluated: 2021-08-19. Review status: criteria provided, single submitter. Criteria: Invitae Variant Classification Sherloc (09022015). Collection method: clinical testing. Allele origin: germline.
Comment: For these reasons, this variant has been classified as Pathogenic. This variant has not been reported in the literature in individuals affected with LAMC2-related conditions. This variant is not present in population databases (ExAC no frequency). This sequence change creates a premature translational stop signal (p.Arg533Glyfs*2) in the LAMC2 gene. It is expected to result in an absent or disrupted protein product. Loss-of-function variants in LAMC2 are known to be pathogenic (PMID: 11907499, 16473856).

Literature cited by the submitters: PubMed 11907499; PubMed 16473856.